The following is an entry in ClinVar:

NM_001113378.2(FANCI):c.3358T>A (p.Ser1120Thr)

Gene: FANCI (FA complementation group I; plus strand). Cytogenetic location: 15q26.1.
Variant type: single nucleotide variant.
Coding change: c.3358T>A on transcript NM_001113378.2 (MANE Select); coding-DNA position 3358, T replaced by A.
Protein change: p.Ser1120Thr; replaces serine 1120 with threonine.
Molecular consequence: missense variant.
Genome position (GRCh38, 1-based): chr15:89,306,015, T>A. VCF-style: chr15-89306015-T-A. GRCh37 (hg19) VCF-style: chr15-89849246-T-A.
Other names: c.3079T>A, p.Ser1027Thr (NM_001376910.1); c.3358T>A, p.Ser1120Thr (NM_001376911.1); c.3178T>A, p.Ser1060Thr (NM_018193.3); short protein forms S1027T, S1060T, S1120T.
Identifiers: ClinVar variation 3016074 (VCV003016074.2), dbSNP rs922772413, ClinGen allele CA274525934.

ClinVar aggregate classification (germline): Uncertain significance (1 of 4 stars; one submission).

Conditions:
Fanconi anemia (FA). Also called: Fanconi's anemia. Identifiers: Orphanet 84, MedGen C0015625, MeSH D005199, MONDO:0019391.

Allele frequency attached by ClinVar (database versions not stated): gnomAD 0.00001; TOPMed 0.00002.
gnomAD v4.1: 4 of 1,614,096 alleles (0.00025%); highest among the groups gnomAD compares: Non-Finnish European, 0.00025%; no homozygotes.

Submission:

Labcorp Genetics (formerly Invitae), Labcorp
Classification: Uncertain significance for Fanconi anemia. Last evaluated: 2024-04-16. Review status: criteria provided, single submitter. Criteria: Invitae Variant Classification Sherloc (09022015). Collection method: clinical testing. Allele origin: germline.
Comment: This sequence change replaces serine, which is neutral and polar, with threonine, which is neutral and polar, at codon 1120 of the FANCI protein (p.Ser1120Thr). This variant is present in population databases (no rsID available, gnomAD 0.0009%). This variant has not been reported in the literature in individuals affected with FANCI-related conditions. Advanced modeling of protein sequence and biophysical properties (such as structural, functional, and spatial information, amino acid conservation, physicochemical variation, residue mobility, and thermodynamic stability) performed at Invitae indicates that this missense variant is not expected to disrupt FANCI protein function with a negative predictive value of 80%. In summary, the available evidence is currently insufficient to determine the role of this variant in disease. Therefore, it has been classified as a Variant of Uncertain Significance.